The following is an entry in ClinVar:

NM_000426.4(LAMA2):c.5165A>G (p.Asp1722Gly)

Gene: LAMA2 (laminin subunit alpha 2; plus strand). Cytogenetic location: 6q22.33.
Variant type: single nucleotide variant.
Coding change: c.5165A>G on transcript NM_000426.4 (MANE Select); coding-DNA position 5165, A replaced by G.
Protein change: p.Asp1722Gly; replaces aspartic acid 1722 with glycine.
Molecular consequence: missense variant.
Genome position (GRCh38, 1-based): chr6:129,391,584, A>G. VCF-style: chr6-129391584-A-G. GRCh37 (hg19) VCF-style: chr6-129712729-A-G.
Other names: c.5165A>G, p.Asp1722Gly (NM_001079823.2); short protein forms D1722G.
Identifiers: ClinVar variation 3701478 (VCV003701478.2).
Genomic context (GRCh38, chr6:129,391,584, plus strand): 5'-CTCTAGGAACTCGAGACGAGGCCTTTGAGAGAAATTTGGAAGGGCTTCAGAAAGAGATTG[A>G]CCAGATGATTAAAGAACTGAGGAGGAAAAATCTAGAGACACAAAAGGAAATTGCTGAAGA-3'
Protein context (NP_000417.3, residues 1712-1732): RNLEGLQKEI[Asp1722Gly]QMIKELRRKN

ClinVar aggregate classification (germline): Uncertain significance (1 of 4 stars; one submission).

Conditions:
LAMA2-related muscular dystrophy (LAMA2-RD). Also called: Laminin alpha 2-related dystrophy. Identifiers: MedGen C5679788, MONDO:0100228.

gnomAD v4.1: 1 of 1,613,732 alleles (0.000062%); highest among the groups gnomAD compares: African/African-American, 0.0013%; no homozygotes.

Submission:

Labcorp Genetics (formerly Invitae), Labcorp
Classification: Uncertain significance for LAMA2-related muscular dystrophy. Last evaluated: 2024-10-09. Review status: criteria provided, single submitter. Criteria: Invitae Variant Classification Sherloc (09022015). Collection method: clinical testing. Allele origin: germline.
Comment: This sequence change replaces aspartic acid, which is acidic and polar, with glycine, which is neutral and non-polar, at codon 1722 of the LAMA2 protein (p.Asp1722Gly). This variant is not present in population databases (gnomAD no frequency). This variant has not been reported in the literature in individuals affected with LAMA2-related conditions. Invitae Evidence Modeling of protein sequence and biophysical properties (such as structural, functional, and spatial information, amino acid conservation, physicochemical variation, residue mobility, and thermodynamic stability) indicates that this missense variant is not expected to disrupt LAMA2 protein function with a negative predictive value of 95%. In summary, the available evidence is currently insufficient to determine the role of this variant in disease. Therefore, it has been classified as a Variant of Uncertain Significance.